The following is an entry in ClinVar:

NM_000088.4(COL1A1):c.929G>A (p.Arg310Lys)

Genes: COL1A1 (collagen type I alpha 1 chain; minus strand), LOC126862586 (CDK7 strongly-dependent group 2 enhancer GRCh37_chr17:48273702-48274901; plus strand). Cytogenetic location: 17q21.33.
Variant type: single nucleotide variant.
Coding change: c.929G>A on transcript NM_000088.4 (MANE Select); coding-DNA position 929, G replaced by A.
Protein change: p.Arg310Lys; replaces arginine 310 with lysine.
Molecular consequence: missense variant.
Genome position (GRCh38, 1-based): chr17:50,196,342, C>T on the plus strand (G>A on the coding strand, the complement: COL1A1 is on the minus strand). VCF-style: chr17-50196342-C-T. GRCh37 (hg19) VCF-style: chr17-48273703-C-T.
Other names: short protein forms R310K.
Identifiers: ClinVar variation 4843470 (VCV004843470.1).

ClinVar aggregate classification (germline): Uncertain significance (1 of 4 stars; one submission).

Conditions:
Cardiovascular phenotype. Identifiers: MedGen CN230736.

gnomAD v4.1: 4 of 1,612,446 alleles (0.00025%); highest among the groups gnomAD compares: Middle Eastern, 0.017%; no homozygotes.

Submission:

Ambry Genetics
Classification: Uncertain significance for Cardiovascular phenotype. Last evaluated: 2026-01-06. Review status: criteria provided, single submitter. Criteria: Ambry Variant Classification Scheme 2023. Collection method: clinical testing. Allele origin: germline.
Comment: The p.R310K variant (also known as c.929G>A), located in coding exon 14 of the COL1A1 gene, results from a G to A substitution at nucleotide position 929. The arginine at codon 310 is replaced by lysine, an amino acid with highly similar properties. This amino acid position is conserved. In addition, the in silico prediction for this alteration is inconclusive. Based on the available evidence, the clinical significance of this variant remains unclear.